The following is an entry in ClinVar:

ClinVar aggregate classification (germline): Likely pathogenic (1 of 4 stars; one submission).

Conditions:
Dilated cardiomyopathy 1G (CMD1G). Identifiers: Orphanet 154, MedGen C1858763, MONDO:0011400, OMIM 604145.
Autosomal recessive limb-girdle muscular dystrophy type 2J (LGMDR10). Also called: Limb-girdle muscular dystrophy, type 2J; MUSCULAR DYSTROPHY, LIMB-GIRDLE, AUTOSOMAL RECESSIVE 10. Identifiers: Orphanet 140922, MedGen C1837342, MONDO:0012127, OMIM 608807.

Submission:

Labcorp Genetics (formerly Invitae), Labcorp
Classification: Likely pathogenic for Dilated cardiomyopathy 1G; Autosomal recessive limb-girdle muscular dystrophy type 2J. Last evaluated: 2025-11-24. Review status: criteria provided, single submitter. Criteria: Invitae Variant Classification Sherloc (09022015). Collection method: clinical testing. Allele origin: germline.
Comment: This sequence change creates a premature translational stop signal (p.Gln22121*) in the TTN gene. While this is not anticipated to result in nonsense mediated decay, it is expected to create a truncated TTN protein. This variant is not present in population databases (gnomAD no frequency). This variant has not been reported in the literature in individuals affected with TTN-related conditions. ClinVar contains an entry for this variant (Variation ID: 2067085). This variant is located in the A band of TTN (PMID: 25589632). Truncating variants in this region are significantly overrepresented in patients affected with dilated cardiomyopathy (PMID: 25589632). Truncating variants in this region have also been reported in individuals affected with autosomal recessive centronuclear myopathy (PMID: 23975875). In summary, the currently available evidence indicates that the variant is pathogenic, but additional data are needed to prove that conclusively. Therefore, this variant has been classified as Likely Pathogenic.

Literature cited by the submitters: PubMed 25589632; PubMed 23975875.

NM_001267550.2(TTN):c.66361C>T (p.Gln22121Ter)

Genes: TTN (titin; minus strand), TTN-AS1 (TTN antisense RNA 1; plus strand). Cytogenetic location: 2q31.2.
Variant type: single nucleotide variant.
Coding change: c.66361C>T on transcript NM_001267550.2 (MANE Select); coding-DNA position 66361, C replaced by T.
Protein change: p.Gln22121Ter; replaces glutamine 22121 with a stop codon.
Molecular consequence: nonsense.
Genome position (GRCh38, 1-based): chr2:178,582,008, G>A on the plus strand (C>T on the coding strand, the complement: TTN is on the minus strand). VCF-style: chr2-178582008-G-A. GRCh37 (hg19) VCF-style: chr2-179446735-G-A.
Other names: c.61438C>T, p.Gln20480Ter (NM_001256850.1); c.39166C>T, p.Gln13056Ter (NM_003319.4); c.58657C>T, p.Gln19553Ter (NM_133378.4); c.39541C>T, p.Gln13181Ter (NM_133432.3); c.39742C>T, p.Gln13248Ter (NM_133437.4); short protein forms Q13056*, Q19553*, Q22121*, Q13181*, Q20480*, Q13248*.
Identifiers: ClinVar variation 2067085 (VCV002067085.4), dbSNP rs2469009764, ClinGen allele CA349429303.